The following is an entry in ClinVar:

NM_170665.4(ATP2A2):c.1352A>T (p.Lys451Met)

Gene: ATP2A2 (ATPase sarcoplasmic/endoplasmic reticulum Ca2+ transporting 2; plus strand). Cytogenetic location: 12q24.11.
Variant type: single nucleotide variant.
Coding change: c.1352A>T on transcript NM_170665.4 (MANE Select); coding-DNA position 1352, A replaced by T.
Protein change: p.Lys451Met; replaces lysine 451 with methionine.
Molecular consequence: missense variant.
Genome position (GRCh38, 1-based): chr12:110,334,076, A>T. VCF-style: chr12-110334076-A-T. GRCh37 (hg19) VCF-style: chr12-110771881-A-T.
Other names: c.1247A>T, p.Lys416Met (NM_001413013.1); c.1352A>T, p.Lys451Met (NM_001413014.1, NM_001681.4); c.977A>T, p.Lys326Met (NM_001413015.1); short protein forms K326M, K416M, K451M.
Identifiers: ClinVar variation 3777401 (VCV003777401.1).

ClinVar aggregate classification (germline): Uncertain significance (1 of 4 stars; one submission).

Submission:

GeneDx
Classification: Uncertain significance. Last evaluated: 2024-09-16. Review status: criteria provided, single submitter. Criteria: GeneDx Variant Classification Process June 2021. Collection method: clinical testing. Allele origin: germline. Affected: yes.
Comment: Not observed at significant frequency in large population cohorts (gnomAD); Missense variants in this gene are a common cause of disease and they are underrepresented in the general population; In silico analysis supports that this missense variant has a deleterious effect on protein structure/function; Has not been previously published as pathogenic or benign to our knowledge